The following is an entry in ClinVar:

ClinVar aggregate classification (germline): Likely benign (0 of 4 stars; one submission).

Conditions:
SLC25A13-related disorder. Also called: SLC25A13-related condition.

gnomAD v4.1: 1 of 1,614,060 alleles (0.000062%); highest among the groups gnomAD compares: African/African-American, 0.0013%; no homozygotes.

Submission:

PreventionGenetics, part of Exact Sciences
Classification: Likely benign for SLC25A13-related condition. Last evaluated: 2022-04-27. Review status: no assertion criteria provided. Collection method: clinical testing. Allele origin: germline.
Comment: This variant is classified as likely benign based on ACMG/AMP sequence variant interpretation guidelines (Richards et al. 2015 PMID: 25741868, with internal and published modifications).

NM_014251.3(SLC25A13):c.1083A>C (p.Ser361=)

Gene: SLC25A13 (solute carrier family 25 member 13; minus strand). Cytogenetic location: 7q21.3.
Variant type: single nucleotide variant.
Coding change: c.1083A>C on transcript NM_014251.3 (MANE Select); coding-DNA position 1083, A replaced by C.
Protein change: p.Ser361=; no amino-acid change (serine 361 retained).
Molecular consequence: synonymous variant. On other transcripts: non-coding transcript variant (1).
Genome position (GRCh38, 1-based): chr7:96,184,371, T>G on the plus strand (A>C on the coding strand, the complement: SLC25A13 is on the minus strand). VCF-style: chr7-96184371-T-G. GRCh37 (hg19) VCF-style: chr7-95813683-T-G.
Other names: c.1086A>C, p.Ser362= (NM_001160210.2).
Identifiers: ClinVar variation 3044951 (VCV003044951.2), dbSNP rs202177210, ClinGen allele CA456510323.
Genomic context (GRCh38, chr7:96,184,371, plus strand): 5'-CACTTTCTTAAAACAGTCAAAGCTGTTTTTATACATGAGTTCTCCCACAAAAGAGCCAGT[T>G]GATCGTTGGTTCTGCATTCGAGTTTTTACAAGATCGATAGGATACACAGCAGTGGCTCCA-3'
Protein context (NP_055066.1, residues 351-371): LVKTRMQNQR[Ser361=]TGSFVGELMY